The following is an entry in ClinVar:

NM_182925.5(FLT4):c.1519T>C (p.Trp507Arg)

Gene: FLT4 (fms related receptor tyrosine kinase 4; minus strand). Cytogenetic location: 5q35.3.
Variant type: single nucleotide variant.
Coding change: c.1519T>C on transcript NM_182925.5 (MANE Select); coding-DNA position 1519, T replaced by C.
Protein change: p.Trp507Arg; replaces tryptophan 507 with arginine.
Molecular consequence: missense variant.
Genome position (GRCh38, 1-based): chr5:180,623,964, A>G on the plus strand (T>C on the coding strand, the complement: FLT4 is on the minus strand). VCF-style: chr5-180623964-A-G. GRCh37 (hg19) VCF-style: chr5-180050964-A-G.
Other names: c.1519T>C, p.Trp507Arg (NM_001354989.2, NM_002020.5); short protein forms W507R.
Identifiers: ClinVar variation 2672120 (VCV002672120.1), dbSNP rs775912367, ClinGen allele CA3606694.

ClinVar aggregate classification (germline): Uncertain significance (1 of 4 stars; one submission).

Conditions:
Hereditary lymphedema type I (LMPHM1). Also called: Milroy Disease; Nonne-Milroy disease; Congenital hereditary lymphedema; Early onset lymphedema; Hereditary lymphedema 1; Primary congenital lymphedema. Identifiers: Orphanet 79452, MedGen C1704423, MONDO:0007919, OMIM 153100.

Allele frequency attached by ClinVar (database versions not stated): ExAC 0.00001; gnomAD exomes 0.00001.
gnomAD v4.1: 3 of 1,613,540 alleles (0.00019%); highest among the groups gnomAD compares: Admixed American, 0.0033%; no homozygotes.

Submission:

Clinical Genomics Laboratory, Washington University in St. Louis
Classification: Uncertain significance for Hereditary lymphedema type I. Last evaluated: 2023-09-04. Review status: criteria provided, single submitter. Criteria: ACMG Guidelines, 2015. Collection method: clinical testing. Allele origin: germline.
Comment: The FLT4 c.1519T>C (p.Trp507Arg) variant was identified at a near heterozygous allelic fraction. This variant, to our knowledge, has not been reported in the medical literature. This variant is absent from the general population (gnomAD v.3.1.2), indicating it is not a common variant. Computational predictors are uncertain as to the impact of this variant on FLT4 function. Due to limited information and based on ACMG/AMP guidelines for variant interpretation (Richards S et al., PMID: 25741868), the clinical significance of this variant is uncertain at this time.